The following is an entry in ClinVar:

NM_198904.4(GABRG2):c.1383C>G (p.Phe461Leu)

Gene: GABRG2 (gamma-aminobutyric acid type A receptor subunit gamma2; plus strand). Cytogenetic location: 5q34.
Variant type: single nucleotide variant.
Coding change: c.1383C>G on transcript NM_198904.4 (MANE Select); coding-DNA position 1383, C replaced by G.
Protein change: p.Phe461Leu; replaces phenylalanine 461 with leucine.
Molecular consequence: missense variant. On other transcripts: 3 prime UTR variant (1).
Genome position (GRCh38, 1-based): chr5:162,153,323, C>G. VCF-style: chr5-162153323-C-G. GRCh37 (hg19) VCF-style: chr5-161580329-C-G.
Other names: c.1359C>G, p.Phe453Leu (NM_000816.3); c.1374C>G, p.Phe458Leu (NM_001375339.1); c.*217C>G (NM_001375340.1); c.1380C>G, p.Phe460Leu (NM_001375341.1); c.1356C>G, p.Phe452Leu (NM_001375342.1); c.1479C>G, p.Phe493Leu (NM_001375343.1); c.1422C>G, p.Phe474Leu (NM_001375344.1); c.1293C>G, p.Phe431Leu (NM_001375345.1); and 6 more; short protein forms F452L, F321L, F358L, F461L, F313L, F431L, F432L, F439L.
Identifiers: ClinVar variation 835151 (VCV000835151.11), dbSNP rs1765508103, ClinGen allele CA362184072.

ClinVar aggregate classification (germline): Uncertain significance (1 of 4 stars; one submission).

Conditions:
EPILEPSY, CHILDHOOD ABSENCE, SUSCEPTIBILITY TO, 2 (ECA2). Identifiers: Orphanet 64280, MedGen C1843244, OMIM 607681.
Febrile seizures, familial, 8 (FEB8). Also called: CONVULSIONS, FAMILIAL FEBRILE, 8. Identifiers: Orphanet 36387, MedGen C1969810, MONDO:0011891, OMIM 607681.

Submission:

Labcorp Genetics (formerly Invitae), Labcorp
Classification: Uncertain significance for Febrile seizures, familial, 8; EPILEPSY, CHILDHOOD ABSENCE, SUSCEPTIBILITY TO, 2. Last evaluated: 2019-12-22. Review status: criteria provided, single submitter. Criteria: Invitae Variant Classification Sherloc (09022015). Collection method: clinical testing. Allele origin: germline.
Comment: This variant has not been reported in the literature in individuals with GABRG2-related conditions. This variant is not present in population databases (ExAC no frequency). This sequence change replaces phenylalanine with leucine at codon 453 of the GABRG2 protein (p.Phe453Leu). The phenylalanine residue is highly conserved and there is a small physicochemical difference between phenylalanine and leucine. Algorithms developed to predict the effect of missense changes on protein structure and function are either unavailable or do not agree on the potential impact of this missense change (SIFT: "Deleterious"; PolyPhen-2: "Probably Damaging"; Align-GVGD: "Class C0"). In summary, the available evidence is currently insufficient to determine the role of this variant in disease. Therefore, it has been classified as a Variant of Uncertain Significance.